The following is an entry in ClinVar:

NM_022436.3(ABCG5):c.143+1G>T

Gene: ABCG5 (ATP binding cassette subfamily G member 5; minus strand). Cytogenetic location: 2p21.
Variant type: single nucleotide variant.
Coding change: c.143+1G>T on transcript NM_022436.3 (MANE Select); the canonical splice donor site of the intron after coding-DNA position 143, G replaced by T.
Molecular consequence: splice donor variant.
Genome position (GRCh38, 1-based): chr2:43,838,536, C>A on the plus strand (G>T on the coding strand, the complement: ABCG5 is on the minus strand). VCF-style: chr2-43838536-C-A. GRCh37 (hg19) VCF-style: chr2-44065675-C-A.
Identifiers: ClinVar variation 4729094 (VCV004729094.1).

ClinVar aggregate classification (germline): Likely pathogenic (1 of 4 stars; one submission).

Conditions:
Sitosterolemia (STSL). Also called: PHYTOSTEROLEMIA. Identifiers: Orphanet 2882, MedGen C0342907, MONDO:0008863.

Submission:

Labcorp Genetics (formerly Invitae), Labcorp
Classification: Likely pathogenic for Sitosterolemia. Last evaluated: 2025-10-13. Review status: criteria provided, single submitter. Criteria: Invitae Variant Classification Sherloc (09022015). Collection method: clinical testing. Allele origin: germline.
Comment: This sequence change affects a donor splice site in intron 1 of the ABCG5 gene. It is expected to disrupt RNA splicing. Variants that disrupt the donor or acceptor splice site typically lead to a loss of protein function (PMID: 16199547), and loss-of-function variants in ABCG5 are known to be pathogenic (PMID: 11138003, 25665839). This variant is not present in population databases (gnomAD no frequency). This variant has not been reported in the literature in individuals affected with ABCG5-related conditions. Algorithms developed to predict the effect of sequence changes on RNA splicing suggest that this variant may disrupt the consensus splice site. In summary, the currently available evidence indicates that the variant is pathogenic, but additional data are needed to prove that conclusively. Therefore, this variant has been classified as Likely Pathogenic.

Literature cited by the submitters: PubMed 16199547; PubMed 11138003; PubMed 25665839.